The following is an entry in ClinVar:

ClinVar aggregate classification (germline): Uncertain significance (1 of 4 stars; one submission).

Allele frequency attached by ClinVar (database versions not stated): gnomAD exomes below 0.00001.
gnomAD v4.1: 2 of 1,544,876 alleles (0.00013%); highest among the groups gnomAD compares: South Asian, 0.0024%; no homozygotes.

Submission:

Laboratory for Molecular Medicine, Mass General Brigham Personalized Medicine
Classification: Uncertain significance. Last evaluated: 2014-10-10. Review status: criteria provided, single submitter. Criteria: LMM Criteria. Collection method: clinical testing. Allele origin: germline. Observed: 1 variant allele.
Comment: The 2309-21G>A variant in MYBPC3 has not been previously reported in individuals with cardiomyopathy or in large population studies. This variant is located in the 3' splice region. Computational tools do suggest an impact to splicing; howe ver, this information is not predictive enough to determine pathogenicity. In su mmary, the clinical significance of this variant is uncertain.

NM_000256.3(MYBPC3):c.2309-21G>A

Gene: MYBPC3 (myosin binding protein C3; minus strand). Cytogenetic location: 11p11.2.
Variant type: single nucleotide variant.
Coding change: c.2309-21G>A on transcript NM_000256.3 (MANE Select); 21 bases into the intron before coding-DNA position 2309, G replaced by A.
Molecular consequence: intron variant.
Genome position (GRCh38, 1-based): chr11:47,337,815, C>T on the plus strand (G>A on the coding strand, the complement: MYBPC3 is on the minus strand). VCF-style: chr11-47337815-C-T. GRCh37 (hg19) VCF-style: chr11-47359366-C-T.
Identifiers: ClinVar variation 180013 (VCV000180013.4), dbSNP rs727505287, ClinGen allele CA012030.